The following is an entry in ClinVar:

ClinVar aggregate classification (germline): Benign/Likely benign. Review status: criteria provided, multiple submitters, no conflicts (2 of 4 stars). 5 submissions from 5 submitters: Benign (1); Likely benign (3). 1 of the submissions does not count toward it. Last evaluated 2026-02-01.

Conditions:
Leukocyte adhesion deficiency 1 (LAD1). Also called: LAD 1; Lymphocyte function-associated antigen 1 immunodeficiency; LFA 1 immunodeficiency; LEUKOCYTE ADHESION DEFICIENCY, TYPE I. Identifiers: Orphanet 2968, Orphanet 99842, MedGen C0398738, MONDO:0007293, OMIM 116920.

Allele frequency attached by ClinVar (database versions not stated): gnomAD 0.00807 and 0.00876; ExAC 0.00264; 1000 Genomes Project 30x 0.00796; TOPMed 0.00859; 1000 Genomes Project 0.00799; ESP Exome Variant Server 0.00900.
gnomAD v4.1: 2,378 of 1,613,896 alleles (0.15%); highest among the groups gnomAD compares: African/African-American, 2.8%; 37 homozygotes.

Submissions (7):

Labcorp Genetics (formerly Invitae), Labcorp
Classification: Benign for Leukocyte adhesion deficiency 1. Last evaluated: 2026-02-01. Review status: criteria provided, single submitter. Criteria: Invitae Variant Classification Sherloc (09022015). Collection method: clinical testing. Allele origin: germline.

Women's Health and Genetics/Laboratory Corporation of America, LabCorp
Classification: Likely benign. Last evaluated: 2026-01-22. Review status: criteria provided, single submitter. Criteria: LabCorp Variant Classification Summary - May 2015. Collection method: clinical testing. Allele origin: germline.

Mendelics
Classification: Likely benign for Leukocyte adhesion deficiency 1. Last evaluated: 2019-05-28. Review status: criteria provided, single submitter. Criteria: Mendelics Assertion Criteria 2017. Collection method: clinical testing. Allele origin: unknown.

Illumina Laboratory Services, Illumina
Classification: Likely benign for Leukocyte adhesion deficiency 1. Last evaluated: 2017-04-27. Review status: criteria provided, single submitter. Criteria: ICSL Variant Classification Criteria 13 December 2019. Collection method: clinical testing. Allele origin: germline.
Comment: This variant was observed as part of a predisposition screen in an ostensibly healthy population. A literature search was performed for the gene, cDNA change, and amino acid change (where applicable). Publications were found based on this search. The evidence from the literature, in combination with allele frequency data from public databases where available, was sufficient to determine this variant is unlikely to cause disease. Therefore, this variant is classified as likely benign.

Genomic Research Center, Shahid Beheshti University of Medical Sciences
Classification: Benign for Leukocyte adhesion deficiency 1. Last evaluated: 2023-12-30. Review status: no assertion criteria provided. Collection method: not provided. Allele origin: inherited. Study: Mutation spectra of the ITGB2 gene in Iranian families with leukocyte adhesion deficiency type 1. Not counted in ClinVar's aggregate classification.

Dr. Peter K. Rogan Lab, Western University
No classification provided (evidence only). Condition: Acute myeloid leukemia. Review status: no classification provided. Collection method: in vitro. Allele origin: not applicable. Functional consequence: retained intron. Not counted in ClinVar's aggregate classification.

Dr. Peter K. Rogan Lab, Western University
No classification provided (evidence only). Condition: Uterine corpus endometrial carcinoma. Review status: no classification provided. Collection method: in vitro. Allele origin: not applicable. Functional consequence: retained intron. Not counted in ClinVar's aggregate classification.

Literature cited by the submitters: PubMed 20549317 (cited by Illumina Laboratory Services, Illumina); PubMed 22134107 (cited by Illumina Laboratory Services, Illumina).

NM_000211.5(ITGB2):c.329-6C>T

Gene: ITGB2 (integrin subunit beta 2; minus strand). Cytogenetic location: 21q22.3.
Variant type: single nucleotide variant.
Coding change: c.329-6C>T on transcript NM_000211.5 (MANE Select); 6 bases into the intron before coding-DNA position 329, C replaced by T.
Molecular consequence: intron variant.
Genome position (GRCh38, 1-based): chr21:44,903,541, G>A on the plus strand (C>T on the coding strand, the complement: ITGB2 is on the minus strand). VCF-style: chr21-44903541-G-A. GRCh37 (hg19) VCF-style: chr21-46323456-G-A.
Other names: IVS4-6C>A; c.329-6C>T (LRG_76t1, NM_001127491.3); c.122-6C>T (NM_001303238.2).
Identifiers: ClinVar variation 100754 (VCV000100754.21), dbSNP rs9983887, ClinGen allele CA249768.